The following is an entry in ClinVar:

ClinVar aggregate classification (germline): Uncertain significance. Review status: criteria provided, multiple submitters, no conflicts (2 of 4 stars). 2 submissions from 2 submitters: Uncertain significance (2). Last evaluated 2025-07-02.

Submissions (2):

Dasa
Classification: Uncertain significance. Last evaluated: 2025-07-02. Review status: criteria provided, single submitter. Criteria: DASA Assertion Criteria. Collection method: clinical testing. Allele origin: germline.
Comment: NM_001365951.3(KIF1B):c.2053A>G (p.Met685Val) is a missense variant that results in the substitution of methionine with valine. This variant is absent from population databases. Computational prediction algorithms are consistent with a benign effect. The currently available literature and clinical evidence are not sufficient to establish a definitive association between this variant and the reported condition. Therefore, this variant is classified as a variant of uncertain significance.

Ambry Genetics
Classification: Uncertain significance. Last evaluated: 2023-07-12. Review status: criteria provided, single submitter. Criteria: Ambry Variant Classification Scheme 2023. Collection method: clinical testing. Allele origin: germline.
Comment: The p.M639V variant (also known as c.1915A>G), located in coding exon 19 of the KIF1B gene, results from an A to G substitution at nucleotide position 1915. The methionine at codon 639 is replaced by valine, an amino acid with highly similar properties. This amino acid position is conserved. In addition, the in silico prediction for this alteration is inconclusive. Since supporting evidence is limited at this time, the clinical significance of this alteration remains unclear.

NM_001365951.3(KIF1B):c.2053A>G (p.Met685Val)

Gene: KIF1B (kinesin family member 1B; plus strand). Cytogenetic location: 1p36.22.
Variant type: single nucleotide variant.
Coding change: c.2053A>G on transcript NM_001365951.3 (MANE Select); coding-DNA position 2053, A replaced by G.
Protein change: p.Met685Val; replaces methionine 685 with valine.
Molecular consequence: missense variant.
Genome position (GRCh38, 1-based): chr1:10,297,184, A>G. VCF-style: chr1-10297184-A-G. GRCh37 (hg19) VCF-style: chr1-10357242-A-G.
Other names: c.2053A>G, p.Met685Val (NM_001365952.1); c.1915A>G, p.Met639Val (NM_001365953.1, NM_015074.3, NM_183416.4); short protein forms M685V, M639V.
Identifiers: ClinVar variation 2625706 (VCV002625706.4), dbSNP rs2521404381, ClinGen allele CA338317735.